The following is an entry in ClinVar:

NM_000091.5(COL4A3):c.353G>A (p.Gly118Glu)

Genes: COL4A3 (collagen type IV alpha 3 chain; plus strand), MFF-DT (MFF divergent transcript; minus strand). Cytogenetic location: 2q36.3.
Variant type: single nucleotide variant.
Coding change: c.353G>A on transcript NM_000091.5 (MANE Select); coding-DNA position 353, G replaced by A.
Protein change: p.Gly118Glu; replaces glycine 118 with glutamic acid.
Molecular consequence: missense variant.
Genome position (GRCh38, 1-based): chr2:227,245,982, G>A. VCF-style: chr2-227245982-G-A. GRCh37 (hg19) VCF-style: chr2-228110698-G-A.
Other names: short protein forms G118E.
Identifiers: ClinVar variation 2769576 (VCV002769576.4), dbSNP rs2469502659, ClinGen allele CA350861669.
Genomic context (GRCh38, chr2:227,245,982, plus strand): 5'-ACCCTCCTCATTGAGACTTGTTCTTCTTCCAGGGCACCCCAGGCAATACCGGGCCTTACG[G>A]ACTTGTCGGTGTACCAGGATGCAGTGGTTCTAAGGTAAGTACTTTTCACACAGAAGATGA-3'
Protein context (NP_000082.2, residues 108-128): PGTPGNTGPY[Gly118Glu]LVGVPGCSGS

ClinVar aggregate classification (germline): Uncertain significance. Review status: criteria provided, multiple submitters, no conflicts (2 of 4 stars). 2 submissions from 2 submitters: Uncertain significance (2). Last evaluated 2025-06-24.

Submissions (2):

Women's Health and Genetics/Laboratory Corporation of America, LabCorp
Classification: Uncertain significance. Last evaluated: 2025-06-24. Review status: criteria provided, single submitter. Criteria: LabCorp Variant Classification Summary - May 2015. Collection method: clinical testing. Allele origin: germline.
Comment: Variant summary: COL4A3 c.353G>A (p.Gly118Glu) results in a non-conservative amino acid change in the encoded protein sequence. Algorithms developed to predict the effect of missense changes on protein structure and function all suggest that this variant is likely to be disruptive. The variant was absent in 249428 control chromosomes. The available data on variant occurrences in the general population are insufficient to allow any conclusion about variant significance. To our knowledge, no occurrence of c.353G>A in individuals affected with Alport Syndrome, Autosomal Recessive and no experimental evidence demonstrating its impact on protein function have been reported. ClinVar contains an entry for this variant (Variation ID: 2769576). Based on the evidence outlined above, the variant was classified as uncertain significance.

Labcorp Genetics (formerly Invitae), Labcorp
Classification: Uncertain significance. Last evaluated: 2023-10-17. Review status: criteria provided, single submitter. Criteria: Invitae Variant Classification Sherloc (09022015). Collection method: clinical testing. Allele origin: germline.
Comment: This sequence change replaces glycine, which is neutral and non-polar, with glutamic acid, which is acidic and polar, at codon 118 of the COL4A3 protein (p.Gly118Glu). This variant is not present in population databases (gnomAD no frequency). This variant has not been reported in the literature in individuals affected with COL4A3-related conditions. Advanced modeling of protein sequence and biophysical properties (such as structural, functional, and spatial information, amino acid conservation, physicochemical variation, residue mobility, and thermodynamic stability) has been performed at Invitae for this missense variant, however the output from this modeling did not meet the statistical confidence thresholds required to predict the impact of this variant on COL4A3 protein function. In summary, the available evidence is currently insufficient to determine the role of this variant in disease. Therefore, it has been classified as a Variant of Uncertain Significance.